The following is an entry in ClinVar:

NM_007294.4(BRCA1):c.1223A>C (p.Lys408Thr)

Gene: BRCA1 (BRCA1 DNA repair associated; minus strand). Cytogenetic location: 17q21.31.
Variant type: single nucleotide variant.
Coding change: c.1223A>C on transcript NM_007294.4 (MANE Select); coding-DNA position 1223, A replaced by C.
Protein change: p.Lys408Thr; replaces lysine 408 with threonine.
Molecular consequence: missense variant. On other transcripts: intron variant (137).
Genome position (GRCh38, 1-based): chr17:43,094,308, T>G on the plus strand (A>C on the coding strand, the complement: BRCA1 is on the minus strand). VCF-style: chr17-43094308-T-G. GRCh37 (hg19) VCF-style: chr17-41246325-T-G.
Other names: c.1223A>C, p.Lys408Thr (NM_001407618.1, NM_001407619.1, NM_001407620.1 and 30 more transcripts); c.1082A>C, p.Lys361Thr (NM_001407730.1, NM_001407731.1, NM_001407732.1 and 29 more transcripts); c.1220A>C, p.Lys407Thr (NM_001407645.1, NM_001407860.1, NM_001407861.1 and 22 more transcripts); c.1214A>C, p.Lys405Thr (NM_001407646.1, NM_001407647.1); c.1100A>C, p.Lys367Thr (NM_001407648.1, NM_001407666.1, NM_001407667.1 and 19 more transcripts); c.1097A>C, p.Lys366Thr (NM_001407649.1, NM_001407670.1, NM_001407671.1 and 11 more transcripts); c.1145A>C, p.Lys382Thr (NM_001407653.1, NM_001407654.1, NM_001407655.1 and 4 more transcripts); c.1079A>C, p.Lys360Thr (NM_001407749.1, NM_001407838.1, NM_001407839.1 and 20 more transcripts); and 40 more; short protein forms K112T, K240T, K297T, K319T, K341T, K360T, K405T, K408T.
Identifiers: ClinVar variation 5033164 (VCV005033164.1).

ClinVar aggregate classification (germline): Uncertain significance (1 of 4 stars; one submission).

Conditions:
Hereditary cancer-predisposing syndrome. Also called: Neoplastic Syndromes, Hereditary; Tumor predisposition; Hereditary neoplastic syndrome; Hereditary Cancer Syndrome. Identifiers: Orphanet 140162, MedGen C0027672, MeSH D009386, MONDO:0015356.

Submission:

Ambry Genetics
Classification: Uncertain significance for Hereditary cancer-predisposing syndrome. Last evaluated: 2026-06-29. Review status: criteria provided, single submitter. Criteria: Ambry Variant Classification Scheme 2023. Collection method: clinical testing. Allele origin: germline.
Comment: The p.K408T variant (also known as c.1223A>C), located in coding exon 9 of the BRCA1 gene, results from an A to C substitution at nucleotide position 1223. The lysine at codon 408 is replaced by threonine, an amino acid with similar properties. This amino acid position is poorly conserved in available vertebrate species. In addition, the in silico prediction for this alteration is inconclusive. Based on the available evidence, the clinical significance of this variant remains unclear.